The following is an entry in ClinVar:

NM_000051.4(ATM):c.3674A>G (p.Gln1225Arg)

Gene: ATM (ATM serine/threonine kinase; plus strand). Cytogenetic location: 11q22.3.
Variant type: single nucleotide variant.
Coding change: c.3674A>G on transcript NM_000051.4 (MANE Select); coding-DNA position 3674, A replaced by G.
Protein change: p.Gln1225Arg; replaces glutamine 1225 with arginine.
Molecular consequence: missense variant.
Genome position (GRCh38, 1-based): chr11:108,282,807, A>G. VCF-style: chr11-108282807-A-G. GRCh37 (hg19) VCF-style: chr11-108153534-A-G.
Other names: c.3674A>G, p.Gln1225Arg (NM_001351834.2); short protein forms Q1225R.
Identifiers: ClinVar variation 1464431 (VCV001464431.8), dbSNP rs2135689501, ClinGen allele CA382523241.

ClinVar aggregate classification (germline): Uncertain significance (1 of 4 stars; one submission).

Conditions:
Ataxia-telangiectasia syndrome (AT). Also called: Ataxia-telangiectasia, complementation group D; AT, COMPLEMENTATION GROUP C; Cerebello-oculocutaneous telangiectasia; Immunodeficiency with ataxia telangiectasia; Ataxia-telangiectasia, complementation group E; LOUIS-BAR SYNDROME. Identifiers: Orphanet 100, MedGen C0004135, MONDO:0008840, OMIM 208900.

Submission:

Labcorp Genetics (formerly Invitae), Labcorp
Classification: Uncertain significance for Ataxia-telangiectasia syndrome. Last evaluated: 2021-12-03. Review status: criteria provided, single submitter. Criteria: Invitae Variant Classification Sherloc (09022015). Collection method: clinical testing. Allele origin: germline.
Comment: This sequence change replaces glutamine, which is neutral and polar, with arginine, which is basic and polar, at codon 1225 of the ATM protein (p.Gln1225Arg). This variant is not present in population databases (gnomAD no frequency). This variant has not been reported in the literature in individuals affected with ATM-related conditions. Advanced modeling of protein sequence and biophysical properties (such as structural, functional, and spatial information, amino acid conservation, physicochemical variation, residue mobility, and thermodynamic stability) performed at Invitae indicates that this missense variant is not expected to disrupt ATM protein function. In summary, the available evidence is currently insufficient to determine the role of this variant in disease. Therefore, it has been classified as a Variant of Uncertain Significance.